The following is an entry in ClinVar:

NM_000038.6(APC):c.1524dup (p.Thr509fs)

Gene: APC (APC regulator of Wnt signaling pathway; plus strand). Cytogenetic location: 5q22.2.
Variant type: Duplication.
Coding change: c.1524dup on transcript NM_000038.6 (MANE Select); coding-DNA position 1524, one base duplicated (G; older notation c.1524dupG).
Protein change: p.Thr509fs; shifts the reading frame from threonine 509.
Molecular consequence: frameshift variant.
Genome position (GRCh38, 1-based): chr5:112,827,223, G duplicated. VCF-style (leftmost placement, unchanged base first): chr5-112827222-T-TG. GRCh37 (hg19) VCF-style: chr5-112162919-T-TG.
Other names: c.1524dup, p.Thr509fs (NM_001127510.3, NM_001354895.2); c.1470dup, p.Thr491fs (NM_001127511.3); c.1578dup, p.Thr527fs (NM_001354896.2); c.1554dup, p.Thr519fs (NM_001354897.2); c.1449dup, p.Thr484fs (NM_001354898.2); c.1440dup, p.Thr481fs (NM_001354899.2); c.1401dup, p.Thr468fs (NM_001354900.2); c.1347dup, p.Thr450fs (NM_001354901.2); and 5 more; short protein forms T226fs, T349fs, T383fs, T408fs, T418fs, T450fs, T468fs, T481fs.
Identifiers: ClinVar variation 1072263 (VCV001072263.3), dbSNP rs2149810193, ClinGen allele CA2499217450.
Genomic context (GRCh38, chr5:112,827,222, plus strand): 5'-TTACTAATGACCACTACAGTATTACACTAAGACGATATGCTGGAATGGCTTTGACAAACT[T>TG]GACTTTTGGAGATGTAGCCAACAAGGTATGTTTTTATAACATGTATTTCTTAAGATAGCT-3'

ClinVar aggregate classification (germline): Pathogenic (1 of 4 stars; one submission).

Conditions:
Familial adenomatous polyposis 1 (FAP1). Also called: POLYPOSIS, ADENOMATOUS INTESTINAL; FAMILIAL ADENOMATOUS POLYPOSIS 1, ATTENUATED. Identifiers: MedGen C2713442, MONDO:0021056, OMIM 175100. Disease mechanism: loss of function.

Submission:

Labcorp Genetics (formerly Invitae), Labcorp
Classification: Pathogenic for Familial adenomatous polyposis 1. Last evaluated: 2018-12-04. Review status: criteria provided, single submitter. Criteria: Invitae Variant Classification Sherloc (09022015). Collection method: clinical testing. Allele origin: germline.
Comment: This sequence change creates a premature translational stop signal (p.Thr509Glufs*3) in the APC gene. It is expected to result in an absent or disrupted protein product. This variant is not present in population databases (ExAC no frequency). This variant has not been reported in the literature in individuals with APC-related disease. Loss-of-function variants in APC are known to be pathogenic (PMID: 17963004, 20685668). For these reasons, this variant has been classified as Pathogenic.

Literature cited by the submitters: PubMed 17963004; PubMed 20685668.